The following is an entry in ClinVar:

ClinVar aggregate classification (germline): Uncertain significance. Review status: criteria provided, multiple submitters, no conflicts (2 of 4 stars). 4 submissions from 4 submitters: Uncertain significance (4). Last evaluated 2026-04-06.

Conditions:
RDX-related disorder. Also called: RDX-related condition.

Allele frequency attached by ClinVar (database versions not stated): gnomAD 0.00006 and 0.00007; gnomAD exomes 0.00006 and 0.00012; TOPMed 0.00011; ExAC 0.00012; ESP Exome Variant Server 0.00015; 1000 Genomes Project 30x 0.00016; 1000 Genomes Project 0.00020.
gnomAD v4.1: 98 of 1,614,016 alleles (0.0061%); highest among the groups gnomAD compares: Middle Eastern, 0.12%; no homozygotes.

Submissions (4):

PreventionGenetics, part of Exact Sciences
Classification: Uncertain significance for RDX-related condition. Last evaluated: 2026-04-06. Review status: criteria provided, single submitter. Criteria: ACMG Guidelines, 2015. Collection method: clinical testing. Allele origin: germline.
Comment: The RDX c.146A>G variant is predicted to result in the amino acid substitution p.Tyr49Cys. To our knowledge, this variant has not been reported in the literature. This variant is reported in 0.026% of alleles in individuals of Latino descent in gnomAD. At this time, the clinical significance of this variant is uncertain due to the absence of conclusive functional and genetic evidence.

Blueprint Genetics
Classification: Uncertain significance. Last evaluated: 2024-08-15. Review status: criteria provided, single submitter. Criteria: ACMG Guidelines, 2015. Collection method: clinical testing. Allele origin: germline.

GeneDx
Classification: Uncertain significance. Last evaluated: 2022-09-09. Review status: criteria provided, single submitter. Criteria: GeneDx Variant Classification Process June 2021. Collection method: clinical testing. Allele origin: germline. Affected: yes.
Comment: In silico analysis supports that this missense variant has a deleterious effect on protein structure/function; Has not been previously published as pathogenic or benign to our knowledge

Labcorp Genetics (formerly Invitae), Labcorp
Classification: Uncertain significance. Last evaluated: 2022-08-19. Review status: criteria provided, single submitter. Criteria: Invitae Variant Classification Sherloc (09022015). Collection method: clinical testing. Allele origin: germline.
Comment: This sequence change replaces tyrosine, which is neutral and polar, with cysteine, which is neutral and slightly polar, at codon 49 of the RDX protein (p.Tyr49Cys). This variant is present in population databases (rs201338088, gnomAD 0.02%). This variant has not been reported in the literature in individuals affected with RDX-related conditions. ClinVar contains an entry for this variant (Variation ID: 1388912). Algorithms developed to predict the effect of missense changes on protein structure and function are either unavailable or do not agree on the potential impact of this missense change (SIFT: "Deleterious"; PolyPhen-2: "Possibly Damaging"; Align-GVGD: "Class C0"). In summary, the available evidence is currently insufficient to determine the role of this variant in disease. Therefore, it has been classified as a Variant of Uncertain Significance.

NM_002906.4(RDX):c.146A>G (p.Tyr49Cys)

Gene: RDX (radixin; minus strand). Cytogenetic location: 11q22.3.
Variant type: single nucleotide variant.
Coding change: c.146A>G on transcript NM_002906.4 (MANE Select); coding-DNA position 146, A replaced by G.
Protein change: p.Tyr49Cys; replaces tyrosine 49 with cysteine.
Molecular consequence: missense variant. On other transcripts: intron variant (3).
Genome position (GRCh38, 1-based): chr11:110,264,825, T>C on the plus strand (A>G on the coding strand, the complement: RDX is on the minus strand). VCF-style: chr11-110264825-T-C. GRCh37 (hg19) VCF-style: chr11-110135550-T-C.
Other names: c.146A>G, p.Tyr49Cys (NM_001260492.2, NM_001260493.2); c.-83+14856A>G (NM_001260495.2); c.97-591A>G (NM_001260496.2); c.60-6636A>G (NM_001260494.2); short protein forms Y49C.
Identifiers: ClinVar variation 1388912 (VCV001388912.7), dbSNP rs201338088, ClinGen allele CA6270386.